The following is an entry in ClinVar:

ClinVar aggregate classification (germline): Likely benign. Review status: criteria provided, multiple submitters, no conflicts (2 of 4 stars). 4 submissions from 4 submitters: Likely benign (3). 1 of the submissions does not count toward it. Last evaluated 2025-11-25.

Conditions:
IFT27-related disorder. Also called: IFT27-related condition.

Allele frequency attached by ClinVar (database versions not stated): gnomAD exomes 0.00014 and 0.00020; gnomAD 0.00016 and 0.00017; TOPMed 0.00024; ExAC 0.00027; ESP Exome Variant Server 0.00031.
gnomAD v4.1: 244 of 1,613,980 alleles (0.015%); highest among the groups gnomAD compares: Middle Eastern, 0.25%; 1 homozygote.

Submissions (4):

Labcorp Genetics (formerly Invitae), Labcorp
Classification: Likely benign. Last evaluated: 2025-11-25. Review status: criteria provided, single submitter. Criteria: Invitae Variant Classification Sherloc (09022015). Collection method: clinical testing. Allele origin: germline.

Blueprint Genetics
Classification: Likely benign. Last evaluated: 2024-11-04. Review status: criteria provided, single submitter. Criteria: ACMG Guidelines, 2015. Collection method: clinical testing. Allele origin: germline.

Breakthrough Genomics
Classification: Likely benign. Review status: criteria provided, single submitter. Criteria: ACMG Guidelines, 2015. Collection method: not provided. Allele origin: germline. Inheritance: Autosomal recessive inheritance. Affected: yes.

PreventionGenetics, part of Exact Sciences
Classification: Likely benign for IFT27-related condition. Last evaluated: 2019-11-11. Review status: no assertion criteria provided. Collection method: clinical testing. Allele origin: germline. Not counted in ClinVar's aggregate classification.
Comment: This variant is classified as likely benign based on ACMG/AMP sequence variant interpretation guidelines (Richards et al. 2015 PMID: 25741868, with internal and published modifications).

NM_001177701.3(IFT27):c.480C>T (p.Phe160=)

Genes: CACNG2-DT (CACNG2 divergent transcript; plus strand), IFT27 (intraflagellar transport 27; minus strand). Cytogenetic location: 22q12.3.
Variant type: single nucleotide variant.
Coding change: c.480C>T on transcript NM_001177701.3 (MANE Select); coding-DNA position 480, C replaced by T.
Protein change: p.Phe160=; no amino-acid change (phenylalanine 160 retained).
Molecular consequence: synonymous variant.
Genome position (GRCh38, 1-based): chr22:36,758,392, G>A on the plus strand (C>T on the coding strand, the complement: IFT27 is on the minus strand). VCF-style: chr22-36758392-G-A. GRCh37 (hg19) VCF-style: chr22-37154436-G-A.
Other names: c.480C>T, p.Phe160= (NM_001363003.2); c.477C>T, p.Phe159= (NM_006860.5); c.477C>T (NM_006860.4).
Identifiers: ClinVar variation 1102709 (VCV001102709.13), dbSNP rs143144562, ClinGen allele CA10212313.